The following is an entry in ClinVar:

NM_006073.4(TRDN):c.1135+1G>A

Gene: TRDN (triadin; minus strand). Cytogenetic location: 6q22.31.
Variant type: single nucleotide variant.
Coding change: c.1135+1G>A on transcript NM_006073.4 (MANE Select); the canonical splice donor site of the intron after coding-DNA position 1135, G replaced by A.
Molecular consequence: splice donor variant.
Genome position (GRCh38, 1-based): chr6:123,388,521, C>T on the plus strand (G>A on the coding strand, the complement: TRDN is on the minus strand). VCF-style: chr6-123388521-C-T. GRCh37 (hg19) VCF-style: chr6-123709666-C-T.
Other names: c.1078+1G>A (NM_001407315.1); c.1138+1G>A (NM_001251987.2).
Identifiers: ClinVar variation 2562970 (VCV002562970.2), dbSNP rs1781989551, ClinGen allele CA365567022.

ClinVar aggregate classification (germline): Uncertain significance (1 of 4 stars; one submission).

Conditions:
Cardiovascular phenotype. Identifiers: MedGen CN230736.

gnomAD v4.1: 1 of 1,586,812 alleles (0.000063%); highest among the groups gnomAD compares: East Asian, 0.0023%; no homozygotes.

Submission:

Ambry Genetics
Classification: Uncertain significance for Cardiovascular phenotype. Last evaluated: 2023-04-24. Review status: criteria provided, single submitter. Criteria: Ambry Variant Classification Scheme 2023. Collection method: clinical testing. Allele origin: germline.
Comment: The c.1135+1G>A intronic variant results from a G to A substitution one nucleotide after coding exon 14 of the TRDN gene. This nucleotide position is highly conserved in available vertebrate species. In silico splice site analysis predicts that this alteration may weaken the native splice donor site and may result in the creation or strengthening of a novel splice donor site and may result in the creation or strengthening of a novel splice acceptor site. Alterations that disrupt the canonical splice site are expected to cause aberrant splicing, resulting in an abnormal protein or a transcript that is subject to nonsense-mediated mRNA decay. However, this alteration does not impact the predominant cardiac isoform of TRDN (NM_001256021.1; Kobayashi YM et al. J. Biol. Chem., 1999 Oct;274:28660-8). Since supporting evidence is limited at this time, the clinical significance of this alteration remains unclear.